The following is an entry in ClinVar:

NM_177438.3(DICER1):c.716A>T (p.Asp239Val)

Gene: DICER1 (dicer 1, ribonuclease III; minus strand). Cytogenetic location: 14q32.13.
Variant type: single nucleotide variant.
Coding change: c.716A>T on transcript NM_177438.3 (MANE Select); coding-DNA position 716, A replaced by T.
Protein change: p.Asp239Val; replaces aspartic acid 239 with valine.
Molecular consequence: missense variant. On other transcripts: non-coding transcript variant (6), 5 prime UTR variant (1).
Genome position (GRCh38, 1-based): chr14:95,129,490, T>A on the plus strand (A>T on the coding strand, the complement: DICER1 is on the minus strand). VCF-style: chr14-95129490-T-A. GRCh37 (hg19) VCF-style: chr14-95595827-T-A.
Other names: c.716A>T, p.Asp239Val (NM_001195573.1, NM_001271282.3, NM_001291628.2 and 14 more transcripts); c.434A>T, p.Asp145Val (NM_001395686.1); c.311A>T, p.Asp104Val (NM_001395687.1, NM_001395688.1, NM_001395689.1 and 3 more transcripts); c.149A>T, p.Asp50Val (NM_001395691.1); c.-853A>T (NM_001395697.1); short protein forms D145V, D50V, D104V, D239V.
Identifiers: ClinVar variation 3695087 (VCV003695087.3).

ClinVar aggregate classification (germline): Uncertain significance. Review status: criteria provided, multiple submitters, no conflicts (2 of 4 stars). 2 submissions from 2 submitters: Uncertain significance (2). Last evaluated 2026-07-07.

Conditions:
DICER1-related tumor predisposition. Also called: DICER1-related pleuropulmonary blastoma cancer predisposition syndrome; DICER1 syndrome. Identifiers: Orphanet 284343, MedGen C3839822, MONDO:0100216.
Hereditary cancer-predisposing syndrome. Also called: Tumor predisposition; Hereditary neoplastic syndrome; Hereditary Cancer Syndrome; Neoplastic Syndromes, Hereditary. Identifiers: Orphanet 140162, MedGen C0027672, MeSH D009386, MONDO:0015356.

gnomAD v4.1: 24 of 1,613,894 alleles (0.0015%); highest among the groups gnomAD compares: Non-Finnish European, 0.002%; no homozygotes.

Submissions (2):

Ambry Genetics
Classification: Uncertain significance for Hereditary cancer-predisposing syndrome. Last evaluated: 2026-07-07. Review status: criteria provided, single submitter. Criteria: Ambry Variant Classification Scheme 2023. Collection method: clinical testing. Allele origin: germline.
Comment: The p.D239V variant (also known as c.716A>T), located in coding exon 5 of the DICER1 gene, results from an A to T substitution at nucleotide position 716. The aspartic acid at codon 239 is replaced by valine, an amino acid with highly dissimilar properties. This amino acid position is conserved. In addition, this alteration is predicted to be deleterious by in silico analysis. Based on the available evidence, the clinical significance of this variant remains unclear.

Labcorp Genetics (formerly Invitae), Labcorp
Classification: Uncertain significance for DICER1-related tumor predisposition. Last evaluated: 2024-09-12. Review status: criteria provided, single submitter. Criteria: Invitae Variant Classification Sherloc (09022015). Collection method: clinical testing. Allele origin: germline.
Comment: This sequence change replaces aspartic acid, which is acidic and polar, with valine, which is neutral and non-polar, at codon 239 of the DICER1 protein (p.Asp239Val). This variant is not present in population databases (gnomAD no frequency). This variant has not been reported in the literature in individuals affected with DICER1-related conditions. Invitae Evidence Modeling of protein sequence and biophysical properties (such as structural, functional, and spatial information, amino acid conservation, physicochemical variation, residue mobility, and thermodynamic stability) indicates that this missense variant is expected to disrupt DICER1 protein function with a positive predictive value of 80%. In summary, the available evidence is currently insufficient to determine the role of this variant in disease. Therefore, it has been classified as a Variant of Uncertain Significance.